The following is an entry in ClinVar:

ClinVar aggregate classification (germline): Conflicting classifications of pathogenicity. Review status: criteria provided, conflicting classifications (1 of 4 stars). 2 submissions from 2 submitters: Pathogenic (1); Uncertain significance (1). Last evaluated 2026-02-13.

Conditions:
OTOG-related disorder. Also called: OTOG-related condition.

Submissions (2):

PreventionGenetics, part of Exact Sciences
Classification: Pathogenic for OTOG-related condition. Last evaluated: 2026-02-13. Review status: criteria provided, single submitter. Criteria: ACMG Guidelines, 2015. Collection method: clinical testing. Allele origin: germline.
Comment: The OTOG c.4862delC variant is predicted to result in a frameshift and premature protein termination (p.Pro1621Leufs*8). This variant, along with additional variants in OTOG and other genes, has been reported in an individual with sensorineural hearing loss (Supplementary file 2, Florentine et al. 2022. PubMed ID: 34515852). This variant is reported in 0.016% of alleles in individuals of Latino descent in gnomAD. Frameshift variants in OTOG are expected to be pathogenic. This variant is interpreted as pathogenic.

GeneDx
Classification: Uncertain significance. Last evaluated: 2020-07-14. Review status: criteria provided, single submitter. Criteria: GeneDx Variant Classification Process June 2021. Collection method: clinical testing. Allele origin: germline. Affected: yes.
Comment: Frameshift variant predicted to result in protein truncation or nonsense mediated decay in a gene for which loss-of-function is a known mechanism of disease; Has not been previously published as pathogenic or benign to our knowledge

NM_001292063.2(OTOG):c.4826del (p.Pro1609fs)

Gene: OTOG (otogelin; plus strand). Cytogenetic location: 11p15.1.
Variant type: Deletion.
Coding change: c.4826del on transcript NM_001292063.2 (MANE Select); coding-DNA position 4826, one base deleted (C; older notation c.4826delC).
Protein change: p.Pro1609fs; shifts the reading frame from proline 1609.
Molecular consequence: frameshift variant.
Genome position (GRCh38, 1-based): chr11:17,610,126, C deleted; the last of 5 consecutive C bases (chr11:17,610,122-17,610,126); deleting any one gives the same sequence. VCF-style (leftmost placement, unchanged base first): chr11-17610121-GC-G. GRCh37 (hg19) VCF-style: chr11-17631668-GC-G.
Other names: c.4862delC (NM_001277269.1); c.4862del, p.Pro1621fs (NM_001277269.2); short protein forms P1609fs, P1621fs.
Identifiers: ClinVar variation 1312880 (VCV001312880.3), dbSNP rs1565116349, ClinGen allele CA597904855.